The following is an entry in ClinVar:

ClinVar aggregate classification (germline): Uncertain significance (1 of 4 stars; one submission).

Submission:

GeneDx
Classification: Uncertain significance. Last evaluated: 2025-09-26. Review status: criteria provided, single submitter. Criteria: GeneDx Variant Classification Process June 2021. Collection method: clinical testing. Allele origin: germline.
Comment: Not observed at significant frequency in large population cohorts (gnomAD); In silico analysis supports that this missense variant has a deleterious effect on protein structure/function; Has not been previously published as pathogenic or benign to our knowledge

NM_001385012.1(NBEA):c.8620G>C (p.Gly2874Arg)

Gene: NBEA (neurobeachin; plus strand). Cytogenetic location: 13q13.3.
Variant type: single nucleotide variant.
Coding change: c.8620G>C on transcript NM_001385012.1 (MANE Select); coding-DNA position 8620, G replaced by C.
Protein change: p.Gly2874Arg; replaces glycine 2874 with arginine.
Molecular consequence: missense variant.
Genome position (GRCh38, 1-based): chr13:35,667,529, G>C. VCF-style: chr13-35667529-G-C. GRCh37 (hg19) VCF-style: chr13-36241666-G-C.
Other names: c.1936G>C, p.Gly646Arg (NM_001204197.3); c.8611G>C, p.Gly2871Arg (NM_001379245.1); c.8557G>C, p.Gly2853Arg (NM_015678.5); short protein forms G2853R, G2871R, G2874R, G646R.
Identifiers: ClinVar variation 3392892 (VCV003392892.2).